The following is an entry in ClinVar:

NM_000222.3(KIT):c.2062del (p.Ser688fs)

Gene: KIT (KIT proto-oncogene, receptor tyrosine kinase; plus strand). Cytogenetic location: 4q12.
Variant type: Deletion.
Coding change: c.2062del on transcript NM_000222.3 (MANE Select); coding-DNA position 2062, one base deleted (T; older notation c.2062delT).
Protein change: p.Ser688fs; shifts the reading frame from serine 688.
Molecular consequence: frameshift variant.
Genome position (GRCh38, 1-based): chr4:54,729,406, T deleted; the last of 2 consecutive T bases (chr4:54,729,405-54,729,406); deleting either gives the same sequence. VCF-style (leftmost placement, unchanged base first): chr4-54729404-AT-A. GRCh37 (hg19) VCF-style: chr4-55595570-AT-A.
Other names: c.2050del, p.Ser684fs (NM_001093772.2, NM_001385286.1); c.2065del, p.Ser689fs (NM_001385284.1, NM_001385290.1); c.2062del, p.Ser688fs (NM_001385285.1); c.2053del, p.Ser685fs (NM_001385288.1, NM_001385292.1); short protein forms S688fs, S689fs, S684fs, S685fs.
Identifiers: ClinVar variation 4645631 (VCV004645631.1).

ClinVar aggregate classification (germline): Pathogenic (1 of 4 stars; one submission).

Conditions:
Hereditary cancer-predisposing syndrome. Also called: Neoplastic Syndromes, Hereditary; Tumor predisposition; Hereditary Cancer Syndrome; Hereditary neoplastic syndrome. Identifiers: Orphanet 140162, MedGen C0027672, MeSH D009386, MONDO:0015356.

Submission:

Ambry Genetics
Classification: Pathogenic for Hereditary cancer-predisposing syndrome. Last evaluated: 2025-10-09. Review status: criteria provided, single submitter. Criteria: Ambry Variant Classification Scheme 2023. Collection method: clinical testing. Allele origin: germline.
Comment: The c.2062delT (p.S688Hfs*37) alteration, located in coding exon 14 of the KIT gene, consists of a deletion of one nucleotide at position 2062, causing a translational frameshift with a predicted alternate stop codon after 37 amino acids. This alteration is expected to result in loss of function by premature protein truncation or nonsense-mediated mRNA decay. for KIT-related piebaldism; however, it is unlikely to be causative of KIT-related gastrointestinal stromal tumor predisposition. This variant was not reported in population-based cohorts in the Genome Aggregation Database (gnomAD). Based on the available evidence, this alteration is classified as pathogenic.